The following is an entry in ClinVar:

NM_152383.5(DIS3L2):c.799C>G (p.Leu267Val)

Gene: DIS3L2 (DIS3 like 3'-5' exoribonuclease 2; plus strand). Cytogenetic location: 2q37.1.
Variant type: single nucleotide variant.
Coding change: c.799C>G on transcript NM_152383.5 (MANE Select); coding-DNA position 799, C replaced by G.
Protein change: p.Leu267Val; replaces leucine 267 with valine.
Molecular consequence: missense variant. On other transcripts: non-coding transcript variant (1).
Genome position (GRCh38, 1-based): chr2:232,136,568, C>G. VCF-style: chr2-232136568-C-G. GRCh37 (hg19) VCF-style: chr2-233001278-C-G.
Other names: c.799C>G, p.Leu267Val (NM_001257281.2); short protein forms L267V.
Identifiers: ClinVar variation 972146 (VCV000972146.8), dbSNP rs1312218951, ClinGen allele CA351153616.

ClinVar aggregate classification (germline): Uncertain significance (1 of 4 stars; one submission).

Conditions:
Perlman syndrome (PRLMNS). Identifiers: Orphanet 2849, MedGen C0796113, MONDO:0009965, OMIM 267000.

Allele frequency attached by ClinVar (database versions not stated): gnomAD exomes below 0.00001 and 0.00001; TOPMed 0.00001.
gnomAD v4.1: 1 of 1,613,896 alleles (0.000062%); highest among the groups gnomAD compares: East Asian, 0.0022%; no homozygotes.

Submission:

Labcorp Genetics (formerly Invitae), Labcorp
Classification: Uncertain significance for Perlman syndrome. Last evaluated: 2025-06-23. Review status: criteria provided, single submitter. Criteria: Invitae Variant Classification Sherloc (09022015). Collection method: clinical testing. Allele origin: germline.
Comment: This sequence change replaces leucine, which is neutral and non-polar, with valine, which is neutral and non-polar, at codon 267 of the DIS3L2 protein (p.Leu267Val). This variant is present in population databases (no rsID available, gnomAD 0.01%). This variant has not been reported in the literature in individuals affected with DIS3L2-related conditions. ClinVar contains an entry for this variant (Variation ID: 972146). Invitae Evidence Modeling of protein sequence and biophysical properties (such as structural, functional, and spatial information, amino acid conservation, physicochemical variation, residue mobility, and thermodynamic stability) indicates that this missense variant is not expected to disrupt DIS3L2 protein function with a negative predictive value of 80%. In summary, the available evidence is currently insufficient to determine the role of this variant in disease. Therefore, it has been classified as a Variant of Uncertain Significance.